The following is an entry in ClinVar:

ClinVar aggregate classification (germline): Conflicting classifications of pathogenicity. Review status: criteria provided, conflicting classifications (1 of 4 stars). 3 submissions from 3 submitters: Uncertain significance (2); Likely benign (1). Last evaluated 2025-07-18.

Conditions:
Cardiovascular phenotype. Identifiers: MedGen CN230736.
Hereditary cancer-predisposing syndrome. Also called: Neoplastic Syndromes, Hereditary; Hereditary neoplastic syndrome; Hereditary Cancer Syndrome; Tumor predisposition. Identifiers: Orphanet 140162, MedGen C0027672, MeSH D009386, MONDO:0015356.
Neurofibromatosis, type 1 (NF1). Also called: VON RECKLINGHAUSEN DISEASE; NEUROFIBROMATOSIS, TYPE I, SOMATIC; Peripheral type neurofibromatosis; Neurofibromatosis, type I. Identifiers: Orphanet 636, MedGen C0027831, MONDO:0018975, OMIM 162200. Disease mechanism: loss of function.

Allele frequency attached by ClinVar (database versions not stated): gnomAD exomes below 0.00001.
gnomAD v4.1: 4 of 1,613,862 alleles (0.00025%); highest among the groups gnomAD compares: Non-Finnish European, 0.00034%; no homozygotes.

Submissions (3):

Labcorp Genetics (formerly Invitae), Labcorp
Classification: Uncertain significance for Neurofibromatosis, type 1. Last evaluated: 2025-07-18. Review status: criteria provided, single submitter. Criteria: Invitae Variant Classification Sherloc (09022015). Collection method: clinical testing. Allele origin: germline.
Comment: This sequence change replaces leucine, which is neutral and non-polar, with valine, which is neutral and non-polar, at codon 2647 of the NF1 protein (p.Leu2647Val). This variant is present in population databases (no rsID available, gnomAD 0.0009%). This variant has not been reported in the literature in individuals affected with NF1-related conditions. ClinVar contains an entry for this variant (Variation ID: 658806). Invitae Evidence Modeling of protein sequence and biophysical properties (such as structural, functional, and spatial information, amino acid conservation, physicochemical variation, residue mobility, and thermodynamic stability) indicates that this missense variant is not expected to disrupt NF1 protein function with a negative predictive value of 95%. In summary, the available evidence is currently insufficient to determine the role of this variant in disease. Therefore, it has been classified as a Variant of Uncertain Significance.

Ambry Genetics
Classification: Likely benign for Cardiovascular phenotype; Hereditary cancer-predisposing syndrome. Last evaluated: 2024-12-31. Review status: criteria provided, single submitter. Criteria: Ambry Variant Classification Scheme 2023. Collection method: clinical testing. Allele origin: germline.

Genome-Nilou Lab
Classification: Uncertain significance for Neurofibromatosis, type 1. Last evaluated: 2022-03-15. Review status: criteria provided, single submitter. Criteria: ACMG Guidelines, 2015. Collection method: clinical testing. Allele origin: germline. Affected: no.

NM_001042492.3(NF1):c.8002C>G (p.Leu2668Val)

Gene: NF1 (neurofibromin 1; plus strand). Cytogenetic location: 17q11.2.
Variant type: single nucleotide variant.
Coding change: c.8002C>G on transcript NM_001042492.3 (MANE Select); coding-DNA position 8002, C replaced by G.
Protein change: p.Leu2668Val; replaces leucine 2668 with valine.
Molecular consequence: missense variant.
Genome position (GRCh38, 1-based): chr17:31,358,511, C>G. VCF-style: chr17-31358511-C-G. GRCh37 (hg19) VCF-style: chr17-29685529-C-G.
Other names: c.7939C>G, p.Leu2647Val (NM_000267.4); short protein forms L2647V, L2668V.
Identifiers: ClinVar variation 658806 (VCV000658806.12), dbSNP rs1060503905, ClinGen allele CA399203651.
Genomic context (GRCh38, chr17:31,358,511, plus strand): 5'-TTCCTCTGTTGACTTTTTTTTTCTTTTAGGCATAATTTGTTGGACTCTAAGATCAACACC[C>G]TGTTATCATTGTGCCAAGATCCAAATTTGTTAAATCCAATCCATGGAATTGTGCAGAGTG-3'
Protein context (NP_001035957.1, residues 2658-2678): HNLLDSKINT[Leu2668Val]LSLCQDPNLL